The following is an entry in ClinVar:

NM_000179.3(MSH6):c.1935A>G (p.Glu645=)

Gene: MSH6 (mutS homolog 6; plus strand). Cytogenetic location: 2p16.3.
Variant type: single nucleotide variant.
Coding change: c.1935A>G on transcript NM_000179.3 (MANE Select); coding-DNA position 1935, A replaced by G.
Protein change: p.Glu645=; no amino-acid change (glutamic acid 645 retained).
Molecular consequence: synonymous variant.
Genome position (GRCh38, 1-based): chr2:47,799,918, A>G. VCF-style: chr2-47799918-A-G. GRCh37 (hg19) VCF-style: chr2-48027057-A-G.
Other names: c.1545A>G, p.Glu515= (NM_001281492.2); c.1029A>G, p.Glu343= (NM_001281493.2, NM_001281494.2).
Identifiers: ClinVar variation 416156 (VCV000416156.18), dbSNP rs779019430, ClinGen allele CA068282.
Genomic context (GRCh38, chr2:47,799,918, plus strand): 5'-CCAGTTTTGGGATGCATCCAAAACTTTGAGAACTCTCCTTGAGGAAGAATATTTTAGGGA[A>G]AAGCTAAGTGATGGCATTGGGGTGATGTTACCCCAGGTGCTTAAAGGTATGACTTCAGAG-3'
Protein context (NP_000170.1, residues 635-655): RTLLEEEYFR[Glu645=]KLSDGIGVML

ClinVar aggregate classification (germline): Benign/Likely benign. Review status: criteria provided, multiple submitters, no conflicts (2 of 4 stars). 5 submissions from 5 submitters: Benign (1); Likely benign (4). Last evaluated 2025-06-08.

Conditions:
Hereditary nonpolyposis colorectal neoplasms. Identifiers: MedGen C0009405, MeSH D003123.
Lynch syndrome 5 (LYNCH5). Also called: Colorectal cancer, hereditary nonpolyposis, type 5; Hereditary non-polyposis colorectal cancer, type 5. Identifiers: Orphanet 144, MedGen C1833477, MONDO:0013710, OMIM 614350. Disease mechanism: loss of function.
Hereditary cancer-predisposing syndrome. Also called: Tumor predisposition; Neoplastic Syndromes, Hereditary; Hereditary neoplastic syndrome; Hereditary Cancer Syndrome. Identifiers: Orphanet 140162, MedGen C0027672, MeSH D009386, MONDO:0015356.
Lynch syndrome. Identifiers: Orphanet 144, MedGen C4552100, MONDO:0005835. Disease mechanism: loss of function.

Allele frequency attached by ClinVar (database versions not stated): gnomAD exomes below 0.00001; ExAC 0.00001; gnomAD 0.00001; TOPMed 0.00002.
gnomAD v4.1: 1 of 1,614,094 alleles (0.000062%); highest among the groups gnomAD compares: African/African-American, 0.0013%; no homozygotes.

Submissions (5):

Labcorp Genetics (formerly Invitae), Labcorp
Classification: Likely benign for Hereditary nonpolyposis colorectal neoplasms. Last evaluated: 2025-06-08. Review status: criteria provided, single submitter. Criteria: Invitae Variant Classification Sherloc (09022015). Collection method: clinical testing. Allele origin: germline.

Myriad Genetics, Inc.
Classification: Benign for Lynch syndrome 5. Last evaluated: 2024-12-30. Review status: criteria provided, single submitter. Criteria: Myriad Autosomal Dominant, Autosomal Recessive and X-Linked Classification Criteria (2023). Collection method: clinical testing. Allele origin: unknown.
Comment: This variant is considered benign. This variant is a silent/synonymous amino acid change and it is not expected to impact splicing.

All of Us Research Program, National Institutes of Health
Classification: Likely benign for Lynch syndrome. Last evaluated: 2023-03-23. Review status: criteria provided, single submitter. Criteria: ACMG Guidelines, 2015. Collection method: clinical testing. Allele origin: germline. Inheritance: Autosomal dominant inheritance. Observed: 1 variant allele, 1 heterozygote.
Comment: This study involves interpretation of variants in research participants for the purpose of population health screening. Participant phenotype was not available at the time of variant classification. Additional details can be found in publication PMID: 35346344, PMCID: PMC8962531

Ambry Genetics
Classification: Likely benign for Hereditary cancer-predisposing syndrome. Last evaluated: 2021-11-20. Review status: criteria provided, single submitter. Criteria: Ambry Variant Classification Scheme 2023. Collection method: clinical testing. Allele origin: germline.

Color Diagnostics, LLC DBA Color Health
Classification: Likely benign for Hereditary cancer-predisposing syndrome. Last evaluated: 2020-08-25. Review status: criteria provided, single submitter. Criteria: ACMG Guidelines, 2015. Collection method: clinical testing. Allele origin: germline.